The following is an entry in ClinVar:

ClinVar aggregate classification (germline): Uncertain significance (1 of 4 stars; one submission).

Conditions:
Hereditary cancer-predisposing syndrome. Also called: Hereditary Cancer Syndrome; Hereditary neoplastic syndrome; Neoplastic Syndromes, Hereditary; Tumor predisposition. Identifiers: Orphanet 140162, MedGen C0027672, MeSH D009386, MONDO:0015356.

Submission:

Ambry Genetics
Classification: Uncertain significance for Hereditary cancer-predisposing syndrome. Last evaluated: 2021-06-22. Review status: criteria provided, single submitter. Criteria: Ambry Variant Classification Scheme 2023. Collection method: clinical testing. Allele origin: germline.
Comment: The c.4411_4419delCCTTTTTCA variant (also known as p.P1471_S1473del) is located in coding exon 22 of the DICER1 gene. This variant results from an in-frame CCTTTTTCA deletion at nucleotide positions 4411 to 4419. This results in the in-frame deletion of proline, phenylalanine, and serine residues at codons 1471 to 1473. These amino acid positions are well conserved in available vertebrate species. In addition, this alteration is predicted to be neutral by in silico analysis (Choi Y et al. PLoS ONE. 2012; 7(10):e46688). Since supporting evidence is limited at this time, the clinical significance of this alteration remains unclear.

NM_177438.3(DICER1):c.4411_4419del (p.Pro1471_Ser1473del)

Gene: DICER1 (dicer 1, ribonuclease III; minus strand). Cytogenetic location: 14q32.13.
Variant type: Deletion.
Coding change: c.4411_4419del on transcript NM_177438.3 (MANE Select); coding-DNA positions 4411 to 4419, 9 bases deleted (CCTTTTTCA; older notation c.4411_4419delCCTTTTTCA).
Protein change: p.Pro1471_Ser1473del.
Molecular consequence: inframe deletion. On other transcripts: inframe indel (1), non-coding transcript variant (6).
Genome position (GRCh38, 1-based): chr14:95,096,501-95,096,509, TGAAAAAGG deleted on the plus strand (CCTTTTTCA on the coding strand, the reverse complement: DICER1 is on the minus strand). VCF-style (leftmost placement, unchanged base first): chr14-95096500-TTGAAAAAGG-T. GRCh37 (hg19) VCF-style: chr14-95562837-TTGAAAAAGG-T.
Other names: c.4411_4419del, p.Pro1471_Ser1473del (NM_001195573.1, NM_001271282.3, NM_001291628.2 and 12 more transcripts); c.4411_4419delCCTTTTTCA, p.Pro1471_Ser1473del (NM_001395681.1); c.4129_4137del, p.Pro1377_Ser1379del (NM_001395686.1); c.4006_4014del, p.Pro1336_Ser1338del (NM_001395687.1, NM_001395688.1, NM_001395689.1 and 2 more transcripts); c.3844_3852del, p.Pro1282_Ser1284del (NM_001395691.1); c.2728_2736del, p.Pro910_Ser912del (NM_001395697.1).
Identifiers: ClinVar variation 1740406 (VCV001740406.2), dbSNP rs2542504272, ClinGen allele CA2580089012.
Genomic context (GRCh38, chr14:95,096,500, plus strand): 5'-ATGGCATACTACCTAAGGAGGATTTTTTGGGCATTTTCCATTCATATGCAGAATCAGTGG[TTGAAAAAGG>T]AGAAAGAGAGATTTTCTTTACAAAAGCTCCTGACCCCATTAACATATTATCTATAAATCT-3'